The following is an entry in ClinVar:

NM_000245.4(MET):c.826A>G (p.Thr276Ala)

Gene: MET (MET proto-oncogene, receptor tyrosine kinase; plus strand). Cytogenetic location: 7q31.2.
Variant type: single nucleotide variant.
Coding change: c.826A>G on transcript NM_000245.4 (MANE Select); coding-DNA position 826, A replaced by G.
Protein change: p.Thr276Ala; replaces threonine 276 with alanine.
Molecular consequence: missense variant. On other transcripts: intron variant (1).
Genome position (GRCh38, 1-based): chr7:116,699,910, A>G. VCF-style: chr7-116699910-A-G. GRCh37 (hg19) VCF-style: chr7-116339964-A-G.
Other names: c.826A>G, p.Thr276Ala (NM_001127500.3, NM_001324401.3); c.-91+27333A>G (NM_001324402.2); short protein forms T276A.
Identifiers: ClinVar variation 945208 (VCV000945208.13), dbSNP rs769128478, ClinGen allele CA4448036.
Genomic context (GRCh38, chr7:116,699,910, plus strand): 5'-AACAATTTTATTTACTTCTTGACGGTCCAAAGGGAAACTCTAGATGCTCAGACTTTTCAC[A>G]CAAGAATAATCAGGTTCTGTTCCATAAACTCTGGATTGCATTCCTACATGGAAATGCCTC-3'
Protein context (NP_000236.2, residues 266-286): RETLDAQTFH[Thr276Ala]RIIRFCSINS

ClinVar aggregate classification (germline): Uncertain significance. Review status: criteria provided, multiple submitters, no conflicts (2 of 4 stars). 2 submissions from 2 submitters: Uncertain significance (2). Last evaluated 2025-08-15.

Conditions:
Hereditary cancer-predisposing syndrome. Also called: Neoplastic Syndromes, Hereditary; Hereditary Cancer Syndrome; Tumor predisposition; Hereditary neoplastic syndrome. Identifiers: Orphanet 140162, MedGen C0027672, MeSH D009386, MONDO:0015356.
Renal cell carcinoma. Identifiers: Orphanet 217071, MedGen C0007134, MeSH D002292, MONDO:0005086, HP:0005584.

Allele frequency attached by ClinVar (database versions not stated): gnomAD exomes below 0.00001; TOPMed below 0.00001; ExAC 0.00001.

Submissions (2):

Labcorp Genetics (formerly Invitae), Labcorp
Classification: Uncertain significance for Renal cell carcinoma. Last evaluated: 2025-08-15. Review status: criteria provided, single submitter. Criteria: Invitae Variant Classification Sherloc (09022015). Collection method: clinical testing. Allele origin: germline.
Comment: This sequence change replaces threonine, which is neutral and polar, with alanine, which is neutral and non-polar, at codon 276 of the MET protein (p.Thr276Ala). This variant is present in population databases (rs769128478, gnomAD 0.0009%). This variant has not been reported in the literature in individuals affected with MET-related conditions. ClinVar contains an entry for this variant (Variation ID: 945208). Invitae Evidence Modeling of protein sequence and biophysical properties (such as structural, functional, and spatial information, amino acid conservation, physicochemical variation, residue mobility, and thermodynamic stability) indicates that this missense variant is expected to disrupt MET protein function with a positive predictive value of 80%. In summary, the available evidence is currently insufficient to determine the role of this variant in disease. Therefore, it has been classified as a Variant of Uncertain Significance.

Ambry Genetics
Classification: Uncertain significance for Hereditary cancer-predisposing syndrome. Last evaluated: 2024-03-28. Review status: criteria provided, single submitter. Criteria: Ambry Variant Classification Scheme 2023. Collection method: clinical testing. Allele origin: germline.
Comment: The p.T276A variant (also known as c.826A>G), located in coding exon 1 of the MET gene, results from an A to G substitution at nucleotide position 826. The threonine at codon 276 is replaced by alanine, an amino acid with similar properties. This amino acid position is highly conserved in available vertebrate species. In addition, the in silico prediction for this alteration is inconclusive. Since supporting evidence is limited at this time, the clinical significance of this alteration remains unclear.